The following is an entry in ClinVar:

NM_173630.4(RTTN):c.6595+295A>G

Gene: RTTN (rotatin; minus strand). Cytogenetic location: 18q22.2.
Variant type: single nucleotide variant.
Coding change: c.6595+295A>G on transcript NM_173630.4 (MANE Select); 295 bases into the intron after coding-DNA position 6595, A replaced by G.
Molecular consequence: intron variant.
Genome position (GRCh38, 1-based): chr18:70,004,903, T>C on the plus strand (A>G on the coding strand, the complement: RTTN is on the minus strand). VCF-style: chr18-70004903-T-C. GRCh37 (hg19) VCF-style: chr18-67672139-T-C.
Other names: c.3859+295A>G (NM_001318520.2).
Identifiers: ClinVar variation 684155 (VCV000684155.1), dbSNP rs12968403, ClinGen allele CA16561976.

ClinVar aggregate classification (germline): Benign (1 of 4 stars; one submission).

Allele frequency attached by ClinVar (database versions not stated): 1000 Genomes Project 30x 0.77904; TOPMed 0.78503; 1000 Genomes Project 0.78814; gnomAD 0.79752 and 0.81019.
gnomAD v4.1: 123,504 of 152,246 alleles (81%); highest among the groups gnomAD compares: East Asian, 100%; 55,186 homozygotes.

Submission:

GeneDx
Classification: Benign. Last evaluated: 2018-06-19. Review status: criteria provided, single submitter. Criteria: GeneDx Variant Classification (06012015). Collection method: clinical testing. Allele origin: germline. Affected: yes.
Comment: This variant is considered likely benign or benign based on one or more of the following criteria: it is a conservative change, it occurs at a poorly conserved position in the protein, it is predicted to be benign by multiple in silico algorithms, and/or has population frequency not consistent with disease.